The following is an entry in ClinVar:

NM_018975.4(TERF2IP):c.75C>A (p.Asp25Glu)

Gene: TERF2IP (TERF2 interacting protein; plus strand). Cytogenetic location: 16q23.1.
Variant type: single nucleotide variant.
Coding change: c.75C>A on transcript NM_018975.4 (MANE Select); coding-DNA position 75, C replaced by A.
Protein change: p.Asp25Glu; replaces aspartic acid 25 with glutamic acid.
Molecular consequence: missense variant. On other transcripts: non-coding transcript variant (1).
Genome position (GRCh38, 1-based): chr16:75,647,957, C>A. VCF-style: chr16-75647957-C-A. GRCh37 (hg19) VCF-style: chr16-75681855-C-A.
Other names: short protein forms D25E.
Identifiers: ClinVar variation 1759719 (VCV001759719.2), dbSNP rs1461482613, ClinGen allele CA396817176.

ClinVar aggregate classification (germline): Uncertain significance (1 of 4 stars; one submission).

gnomAD v4.1: 2 of 1,613,800 alleles (0.00012%); highest among the groups gnomAD compares: Non-Finnish European, 0.00017%; no homozygotes.

Submission:

Ambry Genetics
Classification: Uncertain significance. Last evaluated: 2021-08-18. Review status: criteria provided, single submitter. Criteria: Ambry Variant Classification Scheme 2023. Collection method: clinical testing. Allele origin: germline.
Comment: The p.D25E variant (also known as c.75C>A), located in coding exon 1 of the TERF2IP gene, results from a C to A substitution at nucleotide position 75. The aspartic acid at codon 25 is replaced by glutamic acid, an amino acid with highly similar properties. This amino acid position is conserved. In addition, this alteration is predicted to be tolerated by in silico analysis. Since supporting evidence is limited at this time, the clinical significance of this alteration remains unclear.